The following is an entry in ClinVar:

NM_000785.4(CYP27B1):c.1136+5G>C

Gene: CYP27B1 (cytochrome P450 family 27 subfamily B member 1; minus strand). Cytogenetic location: 12q14.1.
Variant type: single nucleotide variant.
Coding change: c.1136+5G>C on transcript NM_000785.4 (MANE Select); 5 bases into the intron after coding-DNA position 1136, G replaced by C.
Molecular consequence: intron variant.
Genome position (GRCh38, 1-based): chr12:57,764,373, C>G on the plus strand (G>C on the coding strand, the complement: CYP27B1 is on the minus strand). VCF-style: chr12-57764373-C-G. GRCh37 (hg19) VCF-style: chr12-58158156-C-G.
Identifiers: ClinVar variation 2192518 (VCV002192518.1), dbSNP rs1378651867, ClinGen allele CA605706794.

ClinVar aggregate classification (germline): Uncertain significance (1 of 4 stars; one submission).

Allele frequency attached by ClinVar (database versions not stated): gnomAD exomes 0.00001.
gnomAD v4.1: 5 of 1,614,210 alleles (0.00031%); highest among the groups gnomAD compares: Admixed American, 0.0033%; no homozygotes.

Submission:

Labcorp Genetics (formerly Invitae), Labcorp
Classification: Uncertain significance. Last evaluated: 2022-07-19. Review status: criteria provided, single submitter. Criteria: Invitae Variant Classification Sherloc (09022015). Collection method: clinical testing. Allele origin: germline.
Comment: This sequence change falls in intron 6 of the CYP27B1 gene. It does not directly change the encoded amino acid sequence of the CYP27B1 protein. It affects a nucleotide within the consensus splice site. This variant is present in population databases (no rsID available, gnomAD 0.009%). This variant has not been reported in the literature in individuals affected with CYP27B1-related conditions. Variants that disrupt the consensus splice site are a relatively common cause of aberrant splicing (PMID: 17576681, 9536098). Algorithms developed to predict the effect of sequence changes on RNA splicing suggest that this variant is not likely to affect RNA splicing. In summary, the available evidence is currently insufficient to determine the role of this variant in disease. Therefore, it has been classified as a Variant of Uncertain Significance.

Literature cited by the submitters: PubMed 17576681; PubMed 9536098.